The following is an entry in ClinVar:

ClinVar aggregate classification (germline): Uncertain significance (1 of 4 stars; one submission).

gnomAD v4.1: 8 of 1,614,046 alleles (0.0005%); highest among the groups gnomAD compares: African/African-American, 0.0093%; no homozygotes.

Submission:

Labcorp Genetics (formerly Invitae), Labcorp
Classification: Uncertain significance. Last evaluated: 2024-03-20. Review status: criteria provided, single submitter. Criteria: Invitae Variant Classification Sherloc (09022015). Collection method: clinical testing. Allele origin: germline.
Comment: This sequence change replaces aspartic acid, which is acidic and polar, with valine, which is neutral and non-polar, at codon 20 of the STX3 protein (p.Asp20Val). This variant is present in population databases (rs774452398, gnomAD 0.007%). This variant has not been reported in the literature in individuals affected with STX3-related conditions. An algorithm developed to predict the effect of missense changes on protein structure and function (PolyPhen-2) suggests that this variant is likely to be disruptive. In summary, the available evidence is currently insufficient to determine the role of this variant in disease. Therefore, it has been classified as a Variant of Uncertain Significance.

NM_004177.5(STX3):c.59A>T (p.Asp20Val)

Gene: STX3 (syntaxin 3; plus strand). Cytogenetic location: 11q12.1.
Variant type: single nucleotide variant.
Coding change: c.59A>T on transcript NM_004177.5 (MANE Select); coding-DNA position 59, A replaced by T.
Protein change: p.Asp20Val; replaces aspartic acid 20 with valine.
Molecular consequence: missense variant.
Genome position (GRCh38, 1-based): chr11:59,773,239, A>T. VCF-style: chr11-59773239-A-T. GRCh37 (hg19) VCF-style: chr11-59540712-A-T.
Other names: c.59A>T, p.Asp20Val (NM_001178040.3); short protein forms D20V.
Identifiers: ClinVar variation 3617802 (VCV003617802.2).